The following is an entry in ClinVar:

ClinVar aggregate classification (germline): Uncertain significance. Review status: criteria provided, multiple submitters, no conflicts (2 of 4 stars). 3 submissions from 3 submitters: Uncertain significance (3). Last evaluated 2025-02-19.

Conditions:
Hypokalemic periodic paralysis, type 1. Also called: HypoPP; Hypokalemic Periodic Paralysis Type 1 (AD). Identifiers: Orphanet 681, MedGen C3714580, MONDO:0042979, OMIM 170400.
Hyperkalemic periodic paralysis. Also called: Familial hyperkalemic periodic paralysis; Gamstorp disease. Identifiers: Orphanet 682, MedGen C0238357, MONDO:0008224, OMIM 170500, HP:0007215.
Paramyotonia congenita of Von Eulenburg. Also called: Eulenburg disease; Myotonia congenita intermittens; Von Eulenburg paramyotonia congenita; Paramyotonia Congenita; PARALYSIS PERIODICA PARAMYOTONICA. Identifiers: Orphanet 684, MedGen C0221055, MONDO:0008195, OMIM 168300. Disease mechanism: loss of function.
Hypokalemic periodic paralysis, type 2 (HOKPP2). Identifiers: Orphanet 681, MedGen C2750061, MONDO:0013234, OMIM 613345.
Potassium-aggravated myotonia. Also called: MYOTONIA CONGENITA, ACETAZOLAMIDE-RESPONSIVE; MYOTONIA CONGENITA, ATYPICAL; SODIUM CHANNEL MUSCLE DISEASE; Myotonia congenita, atypical, acetazolamide-responsive. Identifiers: Orphanet 612, Orphanet 99734, Orphanet 99735, Orphanet 99736, MedGen C2931826, MONDO:0018959, OMIM 608390.
Congenital myasthenic syndrome 16. Identifiers: Orphanet 590, MedGen C3280112, MONDO:0013620, OMIM 614198.

Allele frequency attached by ClinVar (database versions not stated): gnomAD 0.00019 and 0.00021; ExAC 0.00002; gnomAD exomes 0.00006 and 0.00003; TOPMed 0.00009.
gnomAD v4.1: 71 of 1,611,014 alleles (0.0044%); highest among the groups gnomAD compares: Admixed American, 0.068%; no homozygotes.

Submissions (3):

Labcorp Genetics (formerly Invitae), Labcorp
Classification: Uncertain significance for Hyperkalemic periodic paralysis. Last evaluated: 2025-02-19. Review status: criteria provided, single submitter. Criteria: Invitae Variant Classification Sherloc (09022015). Collection method: clinical testing. Allele origin: germline.
Comment: This sequence change replaces arginine, which is basic and polar, with glutamine, which is neutral and polar, at codon 1058 of the SCN4A protein (p.Arg1058Gln). This variant is present in population databases (rs760649578, gnomAD 0.04%). This variant has not been reported in the literature in individuals affected with SCN4A-related conditions. ClinVar contains an entry for this variant (Variation ID: 852147). Invitae Evidence Modeling of protein sequence and biophysical properties (such as structural, functional, and spatial information, amino acid conservation, physicochemical variation, residue mobility, and thermodynamic stability) indicates that this missense variant is not expected to disrupt SCN4A protein function with a negative predictive value of 95%. In summary, the available evidence is currently insufficient to determine the role of this variant in disease. Therefore, it has been classified as a Variant of Uncertain Significance.

Revvity Omics, Revvity
Classification: Uncertain significance. Last evaluated: 2023-05-12. Review status: criteria provided, single submitter. Criteria: ACMG Guidelines, 2015. Collection method: clinical testing. Allele origin: germline.

Fulgent Genetics
Classification: Uncertain significance for Paramyotonia congenita of Von Eulenburg; Hypokalemic periodic paralysis, type 1; Hyperkalemic periodic paralysis; Potassium-aggravated myotonia; Hypokalemic periodic paralysis, type 2; Congenital myasthenic syndrome 16. Last evaluated: 2021-07-27. Review status: criteria provided, single submitter. Criteria: ACMG Guidelines, 2015. Collection method: clinical testing. Allele origin: unknown.

NM_000334.4(SCN4A):c.3173G>A (p.Arg1058Gln)

Genes: GH-LCR (growth hormone locus control region; plus strand), SCN4A (sodium voltage-gated channel alpha subunit 4; minus strand). Cytogenetic location: 17q23.3.
Variant type: single nucleotide variant.
Coding change: c.3173G>A on transcript NM_000334.4 (MANE Select); coding-DNA position 3173, G replaced by A.
Protein change: p.Arg1058Gln; replaces arginine 1058 with glutamine.
Molecular consequence: missense variant.
Genome position (GRCh38, 1-based): chr17:63,948,035, C>T on the plus strand (G>A on the coding strand, the complement: SCN4A is on the minus strand). VCF-style: chr17-63948035-C-T. GRCh37 (hg19) VCF-style: chr17-62025395-C-T.
Other names: short protein forms R1058Q.
Identifiers: ClinVar variation 852147 (VCV000852147.14), dbSNP rs760649578, ClinGen allele CA8709359.